The following is an entry in ClinVar:

ClinVar aggregate classification (germline): Conflicting classifications of pathogenicity. Review status: criteria provided, conflicting classifications (1 of 4 stars). 3 submissions from 3 submitters: Likely pathogenic (1); Uncertain significance (1). 1 of the submissions does not count toward it. Last evaluated 2025-07-28.

Conditions:
Isovaleryl-CoA dehydrogenase deficiency (IVA). Also called: Classic Isovaleric Acidemia; ISOVALERIC ACID CoA DEHYDROGENASE DEFICIENCY; Isovaleric acidemia; IVD DEFICIENCY. Identifiers: Orphanet 33, MedGen C0268575, MONDO:0009475, OMIM 243500.

Allele frequency attached by ClinVar (database versions not stated): gnomAD 0.00002.
gnomAD v4.1: 7 of 1,610,840 alleles (0.00043%); highest among the groups gnomAD compares: Non-Finnish European, 0.00051%; no homozygotes.

Submissions (3):

Labcorp Genetics (formerly Invitae), Labcorp
Classification: Uncertain significance for Isovaleryl-CoA dehydrogenase deficiency. Last evaluated: 2025-07-28. Review status: criteria provided, single submitter. Criteria: Invitae Variant Classification Sherloc (09022015). Collection method: clinical testing. Allele origin: germline.
Comment: This sequence change affects the initiator codon of the IVD mRNA. This change may impact translation initiation or efficiency. The next in-frame methionine is located at codon 4. This variant is present in population databases (rs373594717, gnomAD 0.0009%). This variant has not been reported in the literature in individuals affected with IVD-related conditions. ClinVar contains an entry for this variant (Variation ID: 552811). Experimental studies and prediction algorithms are not available or were not evaluated, and the functional significance of this variant is currently unknown. In summary, the available evidence is currently insufficient to determine the role of this variant in disease. Therefore, it has been classified as a Variant of Uncertain Significance.

Baylor Genetics
Classification: Likely pathogenic for Isovaleryl-CoA dehydrogenase deficiency. Review status: criteria provided, single submitter. Criteria: ACMG Guidelines, 2015. Collection method: clinical testing. Allele origin: germline.

Counsyl
Classification: Likely pathogenic for Isovaleryl-CoA dehydrogenase deficiency. Last evaluated: 2017-07-10. Review status: no assertion criteria provided. Collection method: clinical testing. Allele origin: unknown. Not counted in ClinVar's aggregate classification.

Literature cited by the submitters: PubMed 2318964 (cited by Counsyl); PubMed 1310317 (cited by Counsyl).

NM_002225.5(IVD):c.-9A>T

Gene: IVD (isovaleryl-CoA dehydrogenase; plus strand). Cytogenetic location: 15q15.1.
Variant type: single nucleotide variant.
Coding change: c.-9A>T on transcript NM_002225.5 (MANE Select); 9 bases upstream of the start codon, A replaced by T.
Molecular consequence: 5 prime UTR variant. On other transcripts: non-coding transcript variant (1).
Genome position (GRCh38, 1-based): chr15:40,405,819, A>T. VCF-style: chr15-40405819-A-T. GRCh37 (hg19) VCF-style: chr15-40698020-A-T.
Other names: c.-9A>T (NM_001159508.3, NM_001354598.3, NM_001354599.3 and 2 more transcripts); c.-436A>T (NM_001354597.3).
Identifiers: ClinVar variation 552811 (VCV000552811.6), dbSNP rs373594717, ClinGen allele CA7480453.